The following is an entry in ClinVar:

ClinVar aggregate classification (germline): Uncertain significance. Review status: criteria provided, multiple submitters, no conflicts (2 of 4 stars). 2 submissions from 2 submitters: Uncertain significance (2). Last evaluated 2026-03-17.

Conditions:
Hereditary cancer-predisposing syndrome. Also called: Neoplastic Syndromes, Hereditary; Hereditary neoplastic syndrome; Hereditary Cancer Syndrome; Tumor predisposition. Identifiers: Orphanet 140162, MedGen C0027672, MeSH D009386, MONDO:0015356.
Gastrointestinal stromal tumor. Also called: Gastrointestinal stromal tumor, somatic; Gastrointestinal stroma tumor. Identifiers: Orphanet 44890, MedGen C0238198, MeSH D046152, MONDO:0011719, OMIM 606764, HP:0100723.

Submissions (2):

Ambry Genetics
Classification: Uncertain significance for Hereditary cancer-predisposing syndrome. Last evaluated: 2026-03-17. Review status: criteria provided, single submitter. Criteria: Ambry Variant Classification Scheme 2023. Collection method: clinical testing. Allele origin: germline.
Comment: The p.V214L variant (also known as c.640G>T), located in coding exon 4 of the KIT gene, results from a G to T substitution at nucleotide position 640. The valine at codon 214 is replaced by leucine, an amino acid with highly similar properties. This amino acid position is well conserved in available vertebrate species. In addition, this alteration is predicted to be tolerated by in silico analysis. Based on the available evidence, the clinical significance of this variant remains unclear.

Labcorp Genetics (formerly Invitae), Labcorp
Classification: Uncertain significance for Gastrointestinal stromal tumor. Last evaluated: 2024-09-11. Review status: criteria provided, single submitter. Criteria: Invitae Variant Classification Sherloc (09022015). Collection method: clinical testing. Allele origin: germline.
Comment: This sequence change replaces valine, which is neutral and non-polar, with leucine, which is neutral and non-polar, at codon 214 of the KIT protein (p.Val214Leu). This variant is not present in population databases (gnomAD no frequency). This variant has not been reported in the literature in individuals affected with KIT-related conditions. ClinVar contains an entry for this variant (Variation ID: 1923393). An algorithm developed to predict the effect of missense changes on protein structure and function (PolyPhen-2) suggests that this variant is likely to be tolerated. In summary, the available evidence is currently insufficient to determine the role of this variant in disease. Therefore, it has been classified as a Variant of Uncertain Significance.

NM_000222.3(KIT):c.640G>T (p.Val214Leu)

Gene: KIT (KIT proto-oncogene, receptor tyrosine kinase; plus strand). Cytogenetic location: 4q12.
Variant type: single nucleotide variant.
Coding change: c.640G>T on transcript NM_000222.3 (MANE Select); coding-DNA position 640, G replaced by T.
Protein change: p.Val214Leu; replaces valine 214 with leucine.
Molecular consequence: missense variant.
Genome position (GRCh38, 1-based): chr4:54,699,650, G>T. VCF-style: chr4-54699650-G-T. GRCh37 (hg19) VCF-style: chr4-55565816-G-T.
Other names: c.640G>T, p.Val214Leu (NM_001093772.2, NM_001385284.1, NM_001385285.1 and 4 more transcripts); short protein forms V214L.
Identifiers: ClinVar variation 1923393 (VCV001923393.6), dbSNP rs775569383, ClinGen allele CA356898184.
Genomic context (GRCh38, chr4:54,699,650, plus strand): 5'-ATACAAATTATTTGAGGGGCCACATTTCTTTTCATTCTAGCCTTCAAAGCTGTGCCTGTT[G>T]TGTCTGTGTCCAAAGCAAGCTATCTTCTTAGGGAAGGGGAAGAATTCACAGTGACGTGCA-3'
Protein context (NP_000213.1, residues 204-224): VRPAFKAVPV[Val214Leu]SVSKASYLLR